The following is an entry in ClinVar:

NM_016938.5(EFEMP2):c.1188C>T (p.Ser396=)

Genes: EFEMP2 (EGF-like fibulin extracellular matrix protein 2; minus strand), MUS81 (MUS81 structure-specific endonuclease subunit; plus strand). Cytogenetic location: 11q13.1.
Variant type: single nucleotide variant.
Coding change: c.1188C>T on transcript NM_016938.5 (MANE Select); coding-DNA position 1188, C replaced by T.
Protein change: p.Ser396=; no amino-acid change (serine 396 retained).
Molecular consequence: synonymous variant. On other transcripts: non-coding transcript variant (1).
Genome position (GRCh38, 1-based): chr11:65,867,062, G>A on the plus strand (C>T on the coding strand, the complement: EFEMP2 is on the minus strand). VCF-style: chr11-65867062-G-A. GRCh37 (hg19) VCF-style: chr11-65634533-G-A.
Identifiers: ClinVar variation 305377 (VCV000305377.98), dbSNP rs2234473, ClinGen allele CA6110374.

ClinVar aggregate classification (germline): Conflicting classifications of pathogenicity. Review status: criteria provided, conflicting classifications (1 of 4 stars). 13 submissions from 13 submitters: Uncertain significance (1); Benign (5); Likely benign (4). 3 of the submissions do not count toward it. Last evaluated 2026-04-01.

Conditions:
Cutis laxa, autosomal recessive, type 1B (ARCL1B). Also called: CUTIS LAXA, AUTOSOMAL RECESSIVE, TYPE IB; EFEMP2-Related Cutis Laxa. Identifiers: Orphanet 90349, MedGen C3280798, MONDO:0013754, OMIM 614437. Disease mechanism: loss of function.
Familial thoracic aortic aneurysm and aortic dissection (TAAD). Also called: Thoracic aortic aneurysms and dissections. Identifiers: Orphanet 91387, MedGen C4707243, MONDO:0019625.
Cardiovascular phenotype. Identifiers: MedGen CN230736.
EFEMP2-related disorder. Also called: EFEMP2-related condition.

Allele frequency attached by ClinVar (database versions not stated): 1000 Genomes Project 30x 0.00016; 1000 Genomes Project 0.00020; TOPMed 0.00109; ESP Exome Variant Server 0.00154; gnomAD 0.00168 and 0.00178; ExAC 0.00199; gnomAD exomes 0.00215 and 0.00250.
gnomAD v4.1: 3,848 of 1,614,094 alleles (0.24%); highest among the groups gnomAD compares: Non-Finnish European, 0.26%; 8 homozygotes.

Submissions (13):

CeGaT Center for Human Genetics Tuebingen
Classification: Likely benign. Last evaluated: 2026-04-01. Review status: criteria provided, single submitter. Criteria: CeGaT Center For Human Genetics Tuebingen Variant Classification Criteria Version 2. Collection method: clinical testing. Allele origin: germline. Affected: yes. Observed: 8 variant alleles.
Comment: EFEMP2: BP4, BP7

Labcorp Genetics (formerly Invitae), Labcorp
Classification: Benign for Cutis laxa, autosomal recessive, type 1B. Last evaluated: 2026-02-03. Review status: criteria provided, single submitter. Criteria: Invitae Variant Classification Sherloc (09022015). Collection method: clinical testing. Allele origin: germline.

Blueprint Genetics
Classification: Likely benign. Last evaluated: 2024-11-21. Review status: criteria provided, single submitter. Criteria: ACMG Guidelines, 2015. Collection method: clinical testing. Allele origin: germline.

ARUP Laboratories, Molecular Genetics and Genomics, ARUP Laboratories
Classification: Benign for Cutis laxa, autosomal recessive, type 1B. Last evaluated: 2023-04-26. Review status: criteria provided, single submitter. Criteria: ARUP Molecular Germline Variant Investigation Process 2024. Collection method: clinical testing. Allele origin: germline.

CHEO Genetics Diagnostic Laboratory, Children's Hospital of Eastern Ontario
Classification: Benign for Familial thoracic aortic aneurysm and aortic dissection. Last evaluated: 2023-03-31. Review status: criteria provided, single submitter. Criteria: ACMG Guidelines, 2015. Collection method: clinical testing. Allele origin: germline.

GeneDx
Classification: Likely benign. Last evaluated: 2021-04-22. Review status: criteria provided, single submitter. Criteria: GeneDx Variant Classification Process June 2021. Collection method: clinical testing. Allele origin: germline. Affected: yes.

Ambry Genetics
Classification: Benign for Cardiovascular phenotype. Last evaluated: 2019-01-25. Review status: criteria provided, single submitter. Criteria: Ambry Variant Classification Scheme 2023. Collection method: clinical testing. Allele origin: germline.

Illumina Laboratory Services, Illumina
Classification: Uncertain significance for Cutis laxa, autosomal recessive, type 1B. Last evaluated: 2018-01-13. Review status: criteria provided, single submitter. Criteria: ICSL Variant Classification Criteria 13 December 2019. Collection method: clinical testing. Allele origin: germline.

Women's Health and Genetics/Laboratory Corporation of America, LabCorp
Classification: Benign. Last evaluated: 2017-07-14. Review status: criteria provided, single submitter. Criteria: LabCorp Variant Classification Summary - May 2015. Collection method: clinical testing. Allele origin: germline.
Comment: Variant summary: The EFEMP2 c.1188C>T (p.Ser396Ser) variant involves the alteration of a non-conserved nucleotide, resulting in a synonymous change. Mutation taster predicts a damaging outcome for this variant. 3/5 splice prediction tools predict a significant impact on normal splicing. ESE finder predicts that this variant may create a new binding site for SC35. However, these predictions have yet to be confirmed by functional studies. This variant was found in 240/120628 control chromosomes from ExAC, predominantly observed in the European (Finnish) subpopulation at a frequency of 0.011343 (74/6524). This frequency is about 101 times the estimated maximal expected allele frequency of a pathogenic EFEMP2 variant (0.0001118), suggesting this is likely a benign polymorphism found primarily in the populations of European (Finnish) origin. Similar frequency in European (Finnish) subpopulation (0.01098; 283/25780 chromosomes) has also been detected in gnomAD database, including 2 homozygotes. One clinical diagnostic laboratory (via ClinVar) has classified this variant as uncertain significance without evidence to independently evaluate. To our knowledge, this variant has not been published in affected individuals in literature. Taken together, this variant is classified as benign.

Clinical Genetics DNA and cytogenetics Diagnostics Lab, Erasmus MC, Erasmus Medical Center
Classification: Likely benign for Cutis laxa, autosomal recessive, type 1B. Last evaluated: 2017-06-28. Review status: criteria provided, single submitter. Criteria: ACGS Guidelines, 2013. Collection method: clinical testing. Allele origin: germline. Affected: yes. Study: VKGL Data-share Consensus.

PreventionGenetics, part of Exact Sciences
Classification: Likely benign for EFEMP2-related condition. Last evaluated: 2020-09-03. Review status: no assertion criteria provided. Collection method: clinical testing. Allele origin: germline. Not counted in ClinVar's aggregate classification.
Comment: This variant is classified as likely benign based on ACMG/AMP sequence variant interpretation guidelines (Richards et al. 2015 PMID: 25741868, with internal and published modifications).

Genome Diagnostics Laboratory, Amsterdam University Medical Center
Classification: Benign for Cutis laxa, autosomal recessive, type 1B. Last evaluated: 2015-01-12. Review status: no assertion criteria provided. Criteria: ACGS Guidelines, 2013. Collection method: clinical testing. Allele origin: germline. Affected: yes. Study: VKGL Data-share Consensus. Not counted in ClinVar's aggregate classification.

Genome Diagnostics Laboratory, University Medical Center Utrecht
Classification: Likely benign. Review status: no assertion criteria provided. Collection method: clinical testing. Allele origin: germline. Affected: yes. Study: VKGL Data-share Consensus. Not counted in ClinVar's aggregate classification.